The following is an entry in ClinVar:

NM_000256.3(MYBPC3):c.3333G>C (p.Glu1111Asp)

Gene: MYBPC3 (myosin binding protein C3; minus strand). Cytogenetic location: 11p11.2.
Variant type: single nucleotide variant.
Coding change: c.3333G>C on transcript NM_000256.3 (MANE Select); coding-DNA position 3333, G replaced by C.
Protein change: p.Glu1111Asp; replaces glutamic acid 1111 with aspartic acid.
Molecular consequence: missense variant.
Genome position (GRCh38, 1-based): chr11:47,332,971, C>G on the plus strand (G>C on the coding strand, the complement: MYBPC3 is on the minus strand). VCF-style: chr11-47332971-C-G. GRCh37 (hg19) VCF-style: chr11-47354522-C-G.
Other names: short protein forms E1111D.
Identifiers: ClinVar variation 1171222 (VCV001171222.2), dbSNP rs1026643094, ClinGen allele CA380313873.

ClinVar aggregate classification (germline): Uncertain significance (1 of 4 stars; one submission).

Conditions:
Cardiomyopathy (CMYO). Also called: Cardiomyopathies. Identifiers: Orphanet 167848, MedGen C0878544, MONDO:0004994, HP:0001638. Inheritance: Various modes of inheritance.

gnomAD v4.1: 1 of 1,608,590 alleles (0.000062%); highest among the groups gnomAD compares: Admixed American, 0.0017%; no homozygotes.

Submission:

Color Diagnostics, LLC DBA Color Health
Classification: Uncertain significance for Cardiomyopathy. Last evaluated: 2020-12-15. Review status: criteria provided, single submitter. Criteria: ACMG Guidelines, 2015. Collection method: clinical testing. Allele origin: germline.
Comment: This missense variant replaces glutamic acid with aspartic acid at codon 1111 of the MYBPC3 protein. Computational prediction suggests that this variant may not impact protein structure and function (internally defined REVEL score threshold <= 0.5, PMID: 27666373). To our knowledge, functional studies have not been reported for this variant. This variant has not been reported in individuals affected with cardiovascular disorders in the literature. This variant has been identified in 1/238122 chromosomes in the general population by the Genome Aggregation Database (gnomAD). The available evidence is insufficient to determine the role of this variant in disease conclusively. Therefore, this variant is classified as a Variant of Uncertain Significance.